The following is an entry in ClinVar:

ClinVar aggregate classification (germline): Uncertain significance (1 of 4 stars; one submission).

Conditions:
RASopathy. Also called: rasopathies; Noonan spectrum disorder. Identifiers: Orphanet 536391, MedGen C5555857, MONDO:0021060.

Submission:

Labcorp Genetics (formerly Invitae), Labcorp
Classification: Uncertain significance for RASopathy. Last evaluated: 2025-07-28. Review status: criteria provided, single submitter. Criteria: Invitae Variant Classification Sherloc (09022015). Collection method: clinical testing. Allele origin: germline.
Comment: This sequence change replaces alanine, which is neutral and non-polar, with glycine, which is neutral and non-polar, at codon 1191 of the SOS1 protein (p.Ala1191Gly). This variant is not present in population databases (gnomAD no frequency). This variant has not been reported in the literature in individuals affected with SOS1-related conditions. Invitae Evidence Modeling of protein sequence and biophysical properties (such as structural, functional, and spatial information, amino acid conservation, physicochemical variation, residue mobility, and thermodynamic stability) indicates that this missense variant is not expected to disrupt SOS1 protein function with a negative predictive value of 95%. In summary, the available evidence is currently insufficient to determine the role of this variant in disease. Therefore, it has been classified as a Variant of Uncertain Significance.

NM_005633.4(SOS1):c.3572C>G (p.Ala1191Gly)

Gene: SOS1 (SOS Ras/Rac guanine nucleotide exchange factor 1; minus strand). Cytogenetic location: 2p22.1.
Variant type: single nucleotide variant.
Coding change: c.3572C>G on transcript NM_005633.4 (MANE Select); coding-DNA position 3572, C replaced by G.
Protein change: p.Ala1191Gly; replaces alanine 1191 with glycine.
Molecular consequence: missense variant.
Genome position (GRCh38, 1-based): chr2:38,986,254, G>C on the plus strand (C>G on the coding strand, the complement: SOS1 is on the minus strand). VCF-style: chr2-38986254-G-C. GRCh37 (hg19) VCF-style: chr2-39213395-G-C.
Other names: c.3551C>G, p.Ala1184Gly (NM_001382394.1); c.3527C>G, p.Ala1176Gly (NM_001382395.1); short protein forms A1176G, A1191G, A1184G.
Identifiers: ClinVar variation 4773921 (VCV004773921.1).